The following is an entry in ClinVar:

NM_000492.4(CFTR):c.15del (p.Leu6fs)

Gene: CFTR (CF transmembrane conductance regulator; plus strand). Cytogenetic location: 7q31.2.
Variant type: Deletion.
Coding change: c.15del on transcript NM_000492.4 (MANE Select); coding-DNA position 15, one base deleted (T; older notation c.15delT).
Protein change: p.Leu6fs; shifts the reading frame from leucine 6.
Molecular consequence: frameshift variant.
Genome position (GRCh38, 1-based): chr7:117,480,109, T deleted. VCF-style (leftmost placement, unchanged base first): chr7-117480108-CT-C. GRCh37 (hg19) VCF-style: chr7-117120162-CT-C.
Other names: short protein forms L6fs.
Identifiers: ClinVar variation 2856531 (VCV002856531.3), dbSNP rs2484928875, ClinGen allele CA2739279857.

ClinVar aggregate classification (germline): Pathogenic (1 of 4 stars; one submission).

Conditions:
Cystic fibrosis (CF). Also called: MUCOVISCIDOSIS. Identifiers: Orphanet 586, MedGen C0010674, MONDO:0009061, OMIM 219700. Disease mechanism: loss of function.

Submission:

Labcorp Genetics (formerly Invitae), Labcorp
Classification: Pathogenic for Cystic fibrosis. Last evaluated: 2023-04-15. Review status: criteria provided, single submitter. Criteria: Invitae Variant Classification Sherloc (09022015). Collection method: clinical testing. Allele origin: germline.
Comment: This variant is not present in population databases (gnomAD no frequency). This sequence change creates a premature translational stop signal (p.Leu6Trpfs*19) in the CFTR gene. It is expected to result in an absent or disrupted protein product. Loss-of-function variants in CFTR are known to be pathogenic (PMID: 1695717, 7691345, 9725922). This variant has not been reported in the literature in individuals affected with CFTR-related conditions. For these reasons, this variant has been classified as Pathogenic.

Literature cited by the submitters: PubMed 1695717; PubMed 7691345; PubMed 9725922.